The following is an entry in ClinVar:

NM_001009944.3(PKD1):c.11015G>A (p.Arg3672Gln)

Genes: PKD1 (polycystin 1, transient receptor potential channel interacting; minus strand), PKD1-AS1 (PKD1 antisense RNA 1; plus strand). Cytogenetic location: 16p13.3.
Variant type: single nucleotide variant.
Coding change: c.11015G>A on transcript NM_001009944.3 (MANE Select); coding-DNA position 11015, G replaced by A.
Protein change: p.Arg3672Gln; replaces arginine 3672 with glutamine.
Molecular consequence: missense variant.
Genome position (GRCh38, 1-based): chr16:2,093,545, C>T on the plus strand (G>A on the coding strand, the complement: PKD1 is on the minus strand). VCF-style: chr16-2093545-C-T. GRCh37 (hg19) VCF-style: chr16-2143546-C-T.
Other names: c.11015G>A (NM_001009944.2); c.11012G>A, p.Arg3671Gln (NM_000296.4); short protein forms R3671Q, R3672Q.
Identifiers: ClinVar variation 440102 (VCV000440102.54), dbSNP rs201220835, ClinGen allele CA7829357.

ClinVar aggregate classification (germline): Conflicting classifications of pathogenicity. Review status: criteria provided, conflicting classifications (1 of 4 stars). 8 submissions from 8 submitters: Uncertain significance (2); Likely benign (4). 2 of the submissions do not count toward it. Last evaluated 2026-06-03.

Conditions:
Polycystic kidney disease. Also called: Kidney, Polycystic; Polycystic kidney dysplasia. Identifiers: MedGen C0022680, MeSH D007690, MONDO:0020642, HP:0000113.
PKD1-related disorder. Also called: PKD1-related condition.
Inborn genetic diseases. Identifiers: MedGen C0950123, MeSH D030342.

Allele frequency attached by ClinVar (database versions not stated): ESP Exome Variant Server 0.00015; gnomAD 0.00039; TOPMed 0.00054; 1000 Genomes Project 0.00060; 1000 Genomes Project 30x 0.00062.
gnomAD v4.1: 1,018 of 1,597,364 alleles (0.064%); highest among the groups gnomAD compares: Middle Eastern, 0.14%; 2 homozygotes.

Submissions (8):

Women's Health and Genetics/Laboratory Corporation of America, LabCorp
Classification: Uncertain significance. Last evaluated: 2026-06-03. Review status: criteria provided, single submitter. Criteria: LabCorp Variant Classification Summary - May 2015. Collection method: clinical testing. Allele origin: germline.
Comment: Variant summary: PKD1 c.11015G>A (p.Arg3672Gln) results in a conservative amino acid change in the encoded protein sequence. Algorithms developed to predict the effect of missense changes on protein structure and function all suggest that this variant is likely to be tolerated. Consensus agreement among computation tools predict no significant impact on normal splicing. However, these predictions have yet to be confirmed by functional studies. The variant allele was found at a frequency of 0.0004 in 223828 control chromosomes in the gnomAD database, including 1 homozygote. This frequency is not significantly higher than estimated for disease-causing variants in PKD1, allowing no conclusion about variant significance. c.11015G>A has been observed in at least one individual affected with PKD1-related conditions (example: Zhang_2021). This report does not provide unequivocal conclusions about association of the variant with disease. To our knowledge, no experimental evidence demonstrating an impact on protein function has been reported. The following publications have been ascertained in the context of this evaluation (PMID: 25757501, 34716216). ClinVar contains an entry for this variant (Variation ID: 440102). Based on the evidence outlined above, the variant was classified as uncertain significance.

Blueprint Genetics
Classification: Likely benign. Last evaluated: 2024-10-18. Review status: criteria provided, single submitter. Criteria: ACMG Guidelines, 2015. Collection method: clinical testing. Allele origin: germline.

Ambry Genetics
Classification: Uncertain significance for Inborn genetic diseases. Last evaluated: 2024-09-11. Review status: criteria provided, single submitter. Criteria: Ambry Variant Classification Scheme 2023. Collection method: clinical testing. Allele origin: germline.

CeGaT Center for Human Genetics Tuebingen
Classification: Likely benign. Last evaluated: 2023-10-01. Review status: criteria provided, single submitter. Criteria: CeGaT Center For Human Genetics Tuebingen Variant Classification Criteria Version 2. Collection method: clinical testing. Allele origin: germline. Affected: yes. Observed: 3 variant alleles.
Comment: PKD1: BP4, BS2

Athena Diagnostics
Classification: Likely benign. Last evaluated: 2019-02-01. Review status: criteria provided, single submitter. Criteria: Athena Diagnostics criteria. Collection method: clinical testing. Allele origin: unknown.

ARUP Laboratories, Molecular Genetics and Genomics, ARUP Laboratories
Classification: Likely benign. Last evaluated: 2017-07-23. Review status: criteria provided, single submitter. Criteria: ARUP Molecular Germline Variant Investigation Process. Collection method: clinical testing. Allele origin: germline.

PreventionGenetics, part of Exact Sciences
Classification: Likely benign for PKD1-related condition. Last evaluated: 2022-02-16. Review status: no assertion criteria provided. Collection method: clinical testing. Allele origin: germline. Not counted in ClinVar's aggregate classification.
Comment: This variant is classified as likely benign based on ACMG/AMP sequence variant interpretation guidelines (Richards et al. 2015 PMID: 25741868, with internal and published modifications).

Department of Pathology and Laboratory Medicine, Sinai Health System
Classification: Likely benign for Polycystic Kidney disease. Review status: no assertion criteria provided. Collection method: clinical testing. Allele origin: unknown. Affected: yes. Study: The Canadian Open Genetics Repository (COGR). Not counted in ClinVar's aggregate classification.
Comment: The PKD1 p.Arg3672Gln variant was not identified in the literature nor was it identified in the PKD1-LOVD. The variant was identified in dbSNP (ID: rs201220835) as "With other allele", ClinVar (classified as likely benign by ARUP; as uncertain significance by Athena Diagnostics), LOVD 3.0, and ADPKD Mutation Database (as likely neutral). The variant was also identified in our laboratory with a co-occurring pathogenic PKD1 variant (PKD1 c.5510G>A (p.Trp1837X)), increasing the likelihood that the p.Arg3672Gln variant does not have clinical significance. The variant was identified in control databases in 108 of 249596 chromosomes (2 homozygous) at a frequency of 0.0004 increasing the likelihood this could be a low frequency benign variant (Genome Aggregation Database Feb 27, 2017). The variant was observed in the following populations: African in 4 of 21718 chromosomes (freq: 0.0002), Other in 2 of 5944 chromosomes (freq: 0.0003), Latino in 6 of 32178 chromosomes (freq: 0.0002), European in 83 of 112264 chromosomes (freq: 0.000739), EastAsian in 1 of 17524 chromosomes (freq: 0.000057), and South Asian in 12 of 27884 chromosomes (freq: 0.0004), while the variant was not observed in the Ashkenazi Jewish, and Finnish, populations. The p.Arg3672 residue is not conserved in mammals and four out of five computational analyses (PolyPhen-2, SIFT, AlignGVGD, BLOSUM, MutationTaster) do not suggest a high likelihood of impact to the protein; however, this information is not predictive enough to rule out pathogenicity. The c.11015G>A variant occurs in the last three bases of the exon. This position has been shown to be part of the splicing consensus sequence and variants involving this position sometimes affect splicing. In addition, 2 of 4 in silico or computational prediction software programs (SpliceSiteFinder, MaxEntScan, NNSPLICE, GeneSplicer) predict a greater than 10% difference in splicing. In summary, based on the above information the clinical significance of this variant cannot be determined with certainty at this time although we would lean towards a more benign role for this variant. This variant is classified as likely benign.

Literature cited by the submitters: PubMed 25757501 (cited by Women's Health and Genetics/Laboratory Corporation of America, LabCorp); PubMed 34716216 (cited by Women's Health and Genetics/Laboratory Corporation of America, LabCorp).